The following is an entry in ClinVar:

ClinVar aggregate classification (germline): Uncertain significance. Review status: criteria provided, multiple submitters, no conflicts (2 of 4 stars). 2 submissions from 2 submitters: Uncertain significance (2). Last evaluated 2024-05-25.

Conditions:
Congenital contractural arachnodactyly (CCA). Also called: BEALS SYNDROME; Beals-Hecht syndrome; Arthrogryposis, distal, type 9. Identifiers: Orphanet 115, MedGen C0220668, MONDO:0007363, OMIM 121050.

Allele frequency attached by ClinVar (database versions not stated): gnomAD exomes below 0.00001 and 0.00001; TOPMed below 0.00001; ExAC 0.00001; gnomAD 0.00001.
gnomAD v4.1: 8 of 1,613,232 alleles (0.0005%); highest among the groups gnomAD compares: Non-Finnish European, 0.00068%; no homozygotes.

Submissions (2):

Labcorp Genetics (formerly Invitae), Labcorp
Classification: Uncertain significance for Congenital contractural arachnodactyly. Last evaluated: 2024-05-25. Review status: criteria provided, single submitter. Criteria: Invitae Variant Classification Sherloc (09022015). Collection method: clinical testing. Allele origin: germline.
Comment: This sequence change replaces asparagine, which is neutral and polar, with serine, which is neutral and polar, at codon 2808 of the FBN2 protein (p.Asn2808Ser). This variant is present in population databases (rs772227931, gnomAD 0.002%). This variant has not been reported in the literature in individuals affected with FBN2-related conditions. ClinVar contains an entry for this variant (Variation ID: 905324). Advanced modeling of protein sequence and biophysical properties (such as structural, functional, and spatial information, amino acid conservation, physicochemical variation, residue mobility, and thermodynamic stability) performed at Invitae indicates that this missense variant is not expected to disrupt FBN2 protein function with a negative predictive value of 80%. In summary, the available evidence is currently insufficient to determine the role of this variant in disease. Therefore, it has been classified as a Variant of Uncertain Significance.

Illumina Laboratory Services, Illumina
Classification: Uncertain significance for Congenital contractural arachnodactyly. Last evaluated: 2018-01-12. Review status: criteria provided, single submitter. Criteria: ICSL Variant Classification Criteria 13 December 2019. Collection method: clinical testing. Allele origin: germline.

NM_001999.4(FBN2):c.8423A>G (p.Asn2808Ser)

Gene: FBN2 (fibrillin 2; minus strand). Cytogenetic location: 5q23.3.
Variant type: single nucleotide variant.
Coding change: c.8423A>G on transcript NM_001999.4 (MANE Select); coding-DNA position 8423, A replaced by G.
Protein change: p.Asn2808Ser; replaces asparagine 2808 with serine.
Molecular consequence: missense variant.
Genome position (GRCh38, 1-based): chr5:128,259,771, T>C on the plus strand (A>G on the coding strand, the complement: FBN2 is on the minus strand). VCF-style: chr5-128259771-T-C. GRCh37 (hg19) VCF-style: chr5-127595463-T-C.
Other names: short protein forms N2808S.
Identifiers: ClinVar variation 905324 (VCV000905324.7), dbSNP rs772227931, ClinGen allele CA3393810.
Genomic context (GRCh38, chr5:128,259,771, plus strand): 5'-AGGGGCTGGATGGCGGGCCTTAGTTCCAGGATGTGCTCCTTAGAGCCGAGGTGGGAGAGG[T>C]TGAACTTCATGTTGACGGGGCTGTCCATGTCGACACTCTCTAGGCTGATCTGTTCAACCT-3'
Protein context (NP_001990.2, residues 2798-2818): DMDSPVNMKF[Asn2808Ser]LSHLGSKEHI